The following is an entry in ClinVar:

ClinVar aggregate classification (germline): Uncertain significance (1 of 4 stars; one submission).

Conditions:
TTN-related disorder. Also called: TTN-related condition; TTN-related disease; TTN-related disorders.

Allele frequency attached by ClinVar (database versions not stated): gnomAD 0.00001; gnomAD exomes 0.00001; TOPMed 0.00001; ExAC 0.00002.
gnomAD v4.1: 21 of 1,613,128 alleles (0.0013%); highest among the groups gnomAD compares: Non-Finnish European, 0.0018%; no homozygotes.

Submission:

PreventionGenetics, part of Exact Sciences
Classification: Uncertain significance for TTN-related condition. Last evaluated: 2022-10-31. Review status: criteria provided, single submitter. Criteria: ACMG Guidelines, 2015. Collection method: clinical testing. Allele origin: germline.
Comment: The TTN c.10657A>C variant is predicted to result in the amino acid substitution p.Lys3553Gln. This variant is referred to as c.11311+1381A>C (intronic) with an alternate transcript NM_001267550.2. To our knowledge, this variant has not been reported in the literature. This variant is reported in 0.0027% of alleles in individuals of European (Non-Finnish) descent in gnomAD. At this time, the clinical significance of this variant is uncertain due to the absence of conclusive functional and genetic evidence.

NM_001267550.2(TTN):c.11311+1381A>C

Gene: TTN (titin; minus strand). Cytogenetic location: 2q31.2.
Variant type: single nucleotide variant.
Coding change: c.11311+1381A>C on transcript NM_001267550.2 (MANE Select); 1381 bases into the intron after coding-DNA position 11311, A replaced by C.
Molecular consequence: intron variant. On other transcripts: missense variant (1).
Genome position (GRCh38, 1-based): chr2:178,751,743, T>G on the plus strand (A>C on the coding strand, the complement: TTN is on the minus strand). VCF-style: chr2-178751743-T-G. GRCh37 (hg19) VCF-style: chr2-179616470-T-G.
Other names: c.10657A>C, p.Lys3553Gln (NM_133379.5); c.10222+1381A>C (NM_003319.4); c.10798+1381A>C (NM_133437.4); c.10597+1381A>C (NM_133432.3); c.10360+1381A>C (NM_133378.4, NM_001256850.1); short protein forms K3553Q.
Identifiers: ClinVar variation 2635468 (VCV002635468.1), dbSNP rs757510332, ClinGen allele CA2003860.
Genomic context (GRCh38, chr2:178,751,743, plus strand): 5'-TGTCTTGGACCCTTTTAATCTCTAAGCTGGAAGAGTGATGGTGTAAATCACTCTCAGCTT[T>G]TATAATCCGACGAAGACCTGTTGGGATGGGCCGATTGTTATGAAACCAAGTCATTTCTGG-3'